The following is an entry in ClinVar:

NM_001805.4(CEBPE):c.410G>A (p.Ser137Asn)

Gene: CEBPE (CCAAT enhancer binding protein epsilon; minus strand). Cytogenetic location: 14q11.2.
Variant type: single nucleotide variant.
Coding change: c.410G>A on transcript NM_001805.4 (MANE Select); coding-DNA position 410, G replaced by A.
Protein change: p.Ser137Asn; replaces serine 137 with asparagine.
Molecular consequence: missense variant.
Genome position (GRCh38, 1-based): chr14:23,118,682, C>T on the plus strand (G>A on the coding strand, the complement: CEBPE is on the minus strand). VCF-style: chr14-23118682-C-T. GRCh37 (hg19) VCF-style: chr14-23587891-C-T.
Other names: c.410G>A (NM_001805.3); short protein forms S137N.
Identifiers: ClinVar variation 1017224 (VCV001017224.8), dbSNP rs140606768, ClinGen allele CA7111217.

ClinVar aggregate classification (germline): Uncertain significance. Review status: criteria provided, multiple submitters, no conflicts (2 of 4 stars). 2 submissions from 2 submitters: Uncertain significance (2). Last evaluated 2024-11-11.

Conditions:
Specific granule deficiency. Identifiers: Orphanet 169142, MedGen C0398593, MONDO:0009506.

Allele frequency attached by ClinVar (database versions not stated): TOPMed 0.00015; gnomAD 0.00018 and 0.00019; gnomAD exomes 0.00022; ESP Exome Variant Server 0.00031; ExAC 0.00035.
gnomAD v4.1: 304 of 1,613,064 alleles (0.019%); highest among the groups gnomAD compares: Non-Finnish European, 0.024%; no homozygotes.

Submissions (2):

Labcorp Genetics (formerly Invitae), Labcorp
Classification: Uncertain significance for Specific granule deficiency. Last evaluated: 2024-11-11. Review status: criteria provided, single submitter. Criteria: Invitae Variant Classification Sherloc (09022015). Collection method: clinical testing. Allele origin: germline.
Comment: This sequence change replaces serine, which is neutral and polar, with asparagine, which is neutral and polar, at codon 137 of the CEBPE protein (p.Ser137Asn). This variant is present in population databases (rs140606768, gnomAD 0.04%). This variant has not been reported in the literature in individuals affected with CEBPE-related conditions. ClinVar contains an entry for this variant (Variation ID: 1017224). An algorithm developed to predict the effect of missense changes on protein structure and function (PolyPhen-2) suggests that this variant¬†is likely to be tolerated. In summary, the available evidence is currently insufficient to determine the role of this variant in disease. Therefore, it has been classified as a Variant of Uncertain Significance.

Revvity Omics, Revvity
Classification: Uncertain significance. Last evaluated: 2021-10-01. Review status: criteria provided, single submitter. Criteria: ACMG Guidelines, 2015. Collection method: clinical testing. Allele origin: germline.